The following is an entry in ClinVar:

ClinVar aggregate classification (germline): Uncertain significance. Review status: criteria provided, multiple submitters, no conflicts (2 of 4 stars). 3 submissions from 3 submitters: Uncertain significance (3). Last evaluated 2025-01-19.

Conditions:
Inborn genetic diseases. Identifiers: MedGen C0950123, MeSH D030342.

Allele frequency attached by ClinVar (database versions not stated): ExAC 0.00001; gnomAD 0.00001; gnomAD exomes 0.00001; TOPMed 0.00002.
gnomAD v4.1: 13 of 1,613,390 alleles (0.00081%); highest among the groups gnomAD compares: African/African-American, 0.0027%; no homozygotes.

Submissions (3):

Ambry Genetics
Classification: Uncertain significance for Inborn genetic diseases. Last evaluated: 2025-01-19. Review status: criteria provided, single submitter. Criteria: Ambry Variant Classification Scheme 2023. Collection method: clinical testing. Allele origin: germline.

Blueprint Genetics
Classification: Uncertain significance. Last evaluated: 2023-10-02. Review status: criteria provided, single submitter. Criteria: ACMG Guidelines, 2015. Collection method: clinical testing. Allele origin: germline.

Labcorp Genetics (formerly Invitae), Labcorp
Classification: Uncertain significance. Last evaluated: 2021-09-15. Review status: criteria provided, single submitter. Criteria: Invitae Variant Classification Sherloc (09022015). Collection method: clinical testing. Allele origin: germline.
Comment: In summary, the available evidence is currently insufficient to determine the role of this variant in disease. Therefore, it has been classified as a Variant of Uncertain Significance. Algorithms developed to predict the effect of missense changes on protein structure and function (SIFT, PolyPhen-2, Align-GVGD) all suggest that this variant is likely to be disruptive. This variant has not been reported in the literature in individuals affected with ARHGEF18-related conditions. This variant is present in population databases (rs769110620, ExAC 0.002%). This sequence change replaces arginine with tryptophan at codon 276 of the ARHGEF18 protein (p.Arg276Trp). The arginine residue is highly conserved and there is a moderate physicochemical difference between arginine and tryptophan.

NM_001367823.1(ARHGEF18):c.1390C>T (p.Arg464Trp)

Gene: ARHGEF18 (Rho/Rac guanine nucleotide exchange factor 18; plus strand). Cytogenetic location: 19p13.2.
Variant type: single nucleotide variant.
Coding change: c.1390C>T on transcript NM_001367823.1 (MANE Select); coding-DNA position 1390, C replaced by T.
Protein change: p.Arg464Trp; replaces arginine 464 with tryptophan.
Molecular consequence: missense variant.
Genome position (GRCh38, 1-based): chr19:7,444,233, C>T. VCF-style: chr19-7444233-C-T. GRCh37 (hg19) VCF-style: chr19-7509119-C-T.
Other names: c.664C>T, p.Arg222Trp (NM_001130955.2); c.352C>T, p.Arg118Trp (NM_001367824.1, NM_015318.4); c.826C>T (NM_001130955.1); short protein forms R222W, R464W, R118W.
Identifiers: ClinVar variation 1475112 (VCV001475112.8), dbSNP rs769110620, ClinGen allele CA9136466.